The following is an entry in ClinVar:

NM_021815.5(SLC5A7):c.679C>T (p.Pro227Ser)

Gene: SLC5A7 (solute carrier family 5 member 7; plus strand). Cytogenetic location: 2q12.3.
Variant type: single nucleotide variant.
Coding change: c.679C>T on transcript NM_021815.5 (MANE Select); coding-DNA position 679, C replaced by T.
Protein change: p.Pro227Ser; replaces proline 227 with serine.
Molecular consequence: missense variant. On other transcripts: 5 prime UTR variant (1).
Genome position (GRCh38, 1-based): chr2:108,001,978, C>T. VCF-style: chr2-108001978-C-T. GRCh37 (hg19) VCF-style: chr2-108618434-C-T.
Other names: c.679C>T, p.Pro227Ser (NM_001305005.3); c.364C>T, p.Pro122Ser (NM_001305006.3); c.-63C>T (NM_001305007.3); short protein forms P122S, P227S.
Identifiers: ClinVar variation 968542 (VCV000968542.7), dbSNP rs1035258430, ClinGen allele CA348112887.
Genomic context (GRCh38, chr2:108,001,978, plus strand): 5'-TTGTCACATCCTGCAGTCGCAGACATCGGGTTCACTGCTGTGCATGCCAAATACCAAAAG[C>T]CGTGGCTGGGAACTGTTGACTCATCTGAAGTCTACTCTTGGCTTGATAGTTTTCTGTTGT-3'
Protein context (NP_068587.1, residues 217-237): FTAVHAKYQK[Pro227Ser]WLGTVDSSEV

ClinVar aggregate classification (germline): Uncertain significance (1 of 4 stars; one submission).

Conditions:
Neuronopathy, distal hereditary motor, type 7A. Also called: Neuronopathy, distal hereditary motor, autosomal dominant 7; HARPER-YOUNG MYOPATHY; HMN VIIA; NEURONOPATHY, DISTAL HEREDITARY MOTOR, HARDING TYPE VIIA; NEUROPATHY, DISTAL HEREDITARY MOTOR, HARDING TYPE VIIA; Neuronopathy, distal hereditary motor, type viia. Identifiers: Orphanet 139589, MedGen C1834703, MONDO:0008024, OMIM 158580.
Congenital myasthenic syndrome 20. Also called: Myasthenic syndrome, congenital, 20, presynaptic. Identifiers: MedGen C4310694, MONDO:0014939, OMIM 617143.

Submission:

Labcorp Genetics (formerly Invitae), Labcorp
Classification: Uncertain significance for Neuronopathy, distal hereditary motor, type 7A; Congenital myasthenic syndrome 20. Last evaluated: 2019-11-16. Review status: criteria provided, single submitter. Criteria: Invitae Variant Classification Sherloc (09022015). Collection method: clinical testing. Allele origin: germline.
Comment: Algorithms developed to predict the effect of missense changes on protein structure and function are either unavailable or do not agree on the potential impact of this missense change (SIFT: "Deleterious"; PolyPhen-2: "Benign"; Align-GVGD: "Class C0"). This sequence change replaces proline with serine at codon 227 of the SLC5A7 protein (p.Pro227Ser). The proline residue is highly conserved and there is a moderate physicochemical difference between proline and serine. This variant is not present in population databases (ExAC no frequency). This variant has not been reported in the literature in individuals with SLC5A7-related conditions. In summary, the available evidence is currently insufficient to determine the role of this variant in disease. Therefore, it has been classified as a Variant of Uncertain Significance.